The following is an entry in ClinVar:

NM_000329.3(RPE65):c.143G>A (p.Gly48Glu)

Gene: RPE65 (retinoid isomerohydrolase RPE65; minus strand). Cytogenetic location: 1p31.3.
Variant type: single nucleotide variant.
Coding change: c.143G>A on transcript NM_000329.3 (MANE Select); coding-DNA position 143, G replaced by A.
Protein change: p.Gly48Glu; replaces glycine 48 with glutamic acid.
Molecular consequence: missense variant.
Genome position (GRCh38, 1-based): chr1:68,446,812, C>T on the plus strand (G>A on the coding strand, the complement: RPE65 is on the minus strand). VCF-style: chr1-68446812-C-T. GRCh37 (hg19) VCF-style: chr1-68912495-C-T.
Other names: NM_000329.3(RPE65):c.143G>A; p.Gly48Glu; short protein forms G48E.
Identifiers: ClinVar variation 1213912 (VCV001213912.6), dbSNP rs2100831413, ClinGen allele CA340749160.

ClinVar aggregate classification (germline): Likely pathogenic. Review status: reviewed by expert panel (3 of 4 stars). 4 submissions from 4 submitters: Likely pathogenic (1). 3 of the submissions do not count toward it. Last evaluated 2026-08-20.

Conditions:
RPE65-related recessive retinopathy. Also called: Recessive RPE65 retinopathy. Identifiers: MedGen CN305526, MONDO:0100368.
Retinitis pigmentosa 20 (RP20). Identifiers: Orphanet 791, MedGen C3151086, MONDO:0013425, OMIM 613794.
Leber congenital amaurosis 2 (LCA2). Also called: Autosomal Recessive RPE65-Related Retinal Degeneration; AMAUROSIS CONGENITA OF LEBER II. Identifiers: Orphanet 65, MedGen C1859844, MONDO:0008765, OMIM 204100. Disease mechanism: loss of function.
Retinitis pigmentosa 87 with choroidal involvement. Identifiers: MedGen C5231465, MONDO:0032873, OMIM 618697.
Leber congenital amaurosis (LCA). Also called: Leber's amaurosis. Identifiers: Orphanet 65, MedGen C0339527, MeSH D057130, MONDO:0018998.

Submissions (4):

ClinGen Leber Congenital Amaurosis/early Onset Retinal Dystrophy Variant Curation Expert Panel, ClinGen
Classification: Likely pathogenic for RPE65-related recessive retinopathy. Last evaluated: 2026-08-20. Review status: reviewed by expert panel. Criteria: ClinGen LCAeoRD ACMG Specifications RPE65 V1.0.0. Collection method: curation. Allele origin: germline. Inheritance: Autosomal recessive inheritance.
Comment: NM_000329.3(RPE65):c.143G>A (p.Gly48Glu) is a missense variant causing substitution of glycine with glutamic acid at position p.48. This variant is present in gnomAD v.4.1.1 at a total allele frequency of 6.19x10-7, with 1 allele / 1614088 total alleles in the total population, which is lower than the ClinGen LCA / eoRD VCEP PM2_Supporting threshold of <0.0002 (PM2_Supporting). This variant has been reported in at least 1 proband with early-onset severe retinal dystrophy who was compound heterozygous with the NM_000329.3(RPE65):c.859del variant confirmed in trans (PMID: 34492281), which was previously classified pathogenic by the ClinGen LCA / eoRD VCEP (1 total point, PM3). At least one proband harboring this variant exhibits a phenotype including diagnosis of Leber congenital amaurosis (0.5 pts) with onset before age 1 year (1 pt), nystagmus (1 pt), night blindness with onset at age 1 year (0.5 pts), reduced visual fields (1 pt), reduced visual acuity (1 pt), diffuse retinal pigmentation, vascular thinning (0.5 pts), and optic disc pallor (0.5 pts), which together are specific for RPE65-related recessive retinopathy (6 total points, PMID: 34492281, PP4). The variant has been reported to segregate with childhood-onset severe retinal dystrophy through the proband plus 2 similarly affected relatives, with the variant present in the compound heterozygous state (PP1_Moderate; PMID: 34492281). The computational predictor REVEL gives a score of 0.969, which is above the ClinGen LCA / eoRD VCEP threshold of ≥0.773 and predicts a damaging effect on RPE65 function (PP3_Moderate). In summary, this variant meets the criteria to be classified as likely pathogenic for RPE65-related recessive retinopathy based on the ACMG/AMP criteria applied, as specified by the ClinGen LCA / eoRD VCEP: PM2_supporting, PM3, PP1_moderate, PP3_Moderate, and PP4. (LCA/eoRD VCEP specifications version 1.0.0)

Fulgent Genetics
Classification: Likely pathogenic for Leber congenital amaurosis 2; Retinitis pigmentosa 20; Retinitis pigmentosa 87 with choroidal involvement. Last evaluated: 2024-05-17. Review status: criteria provided, single submitter. Criteria: ACMG Guidelines, 2015. Collection method: clinical testing. Allele origin: germline. Not counted in ClinVar's aggregate classification.

Women's Health and Genetics/Laboratory Corporation of America, LabCorp
Classification: Likely pathogenic for Leber congenital amaurosis. Last evaluated: 2024-05-13. Review status: criteria provided, single submitter. Criteria: LabCorp Variant Classification Summary - May 2015. Collection method: clinical testing. Allele origin: germline. Not counted in ClinVar's aggregate classification.
Comment: Variant summary: RPE65 c.143G>A (p.Gly48Glu) results in a non-conservative amino acid change in the encoded protein sequence. Five of five in-silico tools predict a damaging effect of the variant on protein function. The variant was absent in 251472 control chromosomes. c.143G>A has been reported in the literature in compound heterzygous individuals affected with Leber Congenital Amaurosis and has been shown to segregate with disease in a family (e.g. Lopez-Rodriguez_2021). These data indicate that the variant may be associated with disease. To our knowledge, no experimental evidence demonstrating an impact on protein function has been reported. The following publication has been ascertained in the context of this evaluation (PMID: 34492281). ClinVar contains an entry for this variant (Variation ID: 1213912). Based on the evidence outlined above, the variant was classified as likely pathogenic.

DBGen Ocular Genomics
Classification: Uncertain significance for Leber congenital amaurosis 2. Last evaluated: 2021-06-22. Review status: criteria provided, single submitter. Criteria: ACMG Guidelines, 2015. Collection method: clinical testing. Allele origin: germline. Affected: yes. Observed: 1 variant allele. Not counted in ClinVar's aggregate classification.

Literature cited by the submitters: PubMed 34492281 (cited by Women's Health and Genetics/Laboratory Corporation of America, LabCorp).